The following is an entry in ClinVar:

NM_052947.4(ALPK2):c.2886G>T (p.Lys962Asn)

Gene: ALPK2 (alpha kinase 2; minus strand). Cytogenetic location: 18q21.31.
Variant type: single nucleotide variant.
Coding change: c.2886G>T on transcript NM_052947.4 (MANE Select); coding-DNA position 2886, G replaced by T.
Protein change: p.Lys962Asn; replaces lysine 962 with asparagine.
Molecular consequence: missense variant.
Genome position (GRCh38, 1-based): chr18:58,537,301, C>A on the plus strand (G>T on the coding strand, the complement: ALPK2 is on the minus strand). VCF-style: chr18-58537301-C-A. GRCh37 (hg19) VCF-style: chr18-56204533-C-A.
Other names: short protein forms K962N.
Identifiers: ClinVar variation 3228659 (VCV003228659.1), dbSNP rs776336700, ClinGen allele CA402569558.
Genomic context (GRCh38, chr18:58,537,301, plus strand): 5'-CACAATTGAACTATAACTGGCTGGTGTGGCTGTGGTGTCTGCGGCACTAGGACTGGGGCT[C>A]TTGTCACCTCCTTCTTTAAATTGCACTAAAGGATTGTTCTCAGAAGAAAGGAGCTGTGTT-3'
Protein context (NP_443179.3, residues 952-972): PLVQFKEGGD[Lys962Asn]SPSPSAADTT

ClinVar aggregate classification (germline): Uncertain significance (1 of 4 stars; one submission).

Submission:

Ambry Genetics
Classification: Uncertain significance. Last evaluated: 2021-12-11. Review status: criteria provided, single submitter. Criteria: Ambry Variant Classification Scheme 2023. Collection method: clinical testing. Allele origin: germline.
Comment: The p.K962N variant (also known as c.2886G>T), located in coding exon 4 of the ALPK2 gene, results from a G to T substitution at nucleotide position 2886. The lysine at codon 962 is replaced by asparagine, an amino acid with similar properties. This amino acid position is conserved. In addition, this alteration is predicted to be tolerated by in silico analysis. Since supporting evidence is limited at this time, the clinical significance of this alteration remains unclear.